The following is an entry in ClinVar:

ClinVar aggregate classification (germline): Uncertain significance (1 of 4 stars; one submission).

Conditions:
Peroxisome biogenesis disorder. Identifiers: Orphanet 79189, MedGen C1832200, MONDO:0019234. Disease mechanism: loss of function.

Submission:

Labcorp Genetics (formerly Invitae), Labcorp
Classification: Uncertain significance for Peroxisome biogenesis disorder. Last evaluated: 2022-06-27. Review status: criteria provided, single submitter. Criteria: Invitae Variant Classification Sherloc (09022015). Collection method: clinical testing. Allele origin: germline.
Comment: This sequence change replaces leucine, which is neutral and non-polar, with valine, which is neutral and non-polar, at codon 830 of the PEX6 protein (p.Leu830Val). This variant is not present in population databases (gnomAD no frequency). This variant has not been reported in the literature in individuals affected with PEX6-related conditions. Algorithms developed to predict the effect of missense changes on protein structure and function (SIFT, PolyPhen-2, Align-GVGD) all suggest that this variant is likely to be disruptive. In summary, the available evidence is currently insufficient to determine the role of this variant in disease. Therefore, it has been classified as a Variant of Uncertain Significance.

NM_000287.4(PEX6):c.2488C>G (p.Leu830Val)

Gene: PEX6 (peroxisomal biogenesis factor 6; minus strand). Cytogenetic location: 6p21.1.
Variant type: single nucleotide variant.
Coding change: c.2488C>G on transcript NM_000287.4 (MANE Select); coding-DNA position 2488, C replaced by G.
Protein change: p.Leu830Val; replaces leucine 830 with valine.
Molecular consequence: missense variant. On other transcripts: non-coding transcript variant (1).
Genome position (GRCh38, 1-based): chr6:42,965,352, G>C on the plus strand (C>G on the coding strand, the complement: PEX6 is on the minus strand). VCF-style: chr6-42965352-G-C. GRCh37 (hg19) VCF-style: chr6-42933090-G-C.
Other names: c.2224C>G, p.Leu742Val (NM_001316313.2); short protein forms L830V, L742V.
Identifiers: ClinVar variation 1514033 (VCV001514033.8), dbSNP rs749533099, ClinGen allele CA364151185.